The following is an entry in ClinVar:

NM_001375405.1(CEP120):c.536A>G (p.Gln179Arg)

Gene: CEP120 (centrosomal protein 120; minus strand). Cytogenetic location: 5q23.2.
Variant type: single nucleotide variant.
Coding change: c.536A>G on transcript NM_001375405.1 (MANE Select); coding-DNA position 536, A replaced by G.
Protein change: p.Gln179Arg; replaces glutamine 179 with arginine.
Molecular consequence: missense variant. On other transcripts: 5 prime UTR variant (2), non-coding transcript variant (1).
Genome position (GRCh38, 1-based): chr5:123,399,212, T>C on the plus strand (A>G on the coding strand, the complement: CEP120 is on the minus strand). VCF-style: chr5-123399212-T-C. GRCh37 (hg19) VCF-style: chr5-122734906-T-C.
Other names: c.458A>G, p.Gln153Arg (NM_001166226.2); c.536A>G, p.Gln179Arg (NM_001375406.1, NM_001375407.1, NM_153223.4); c.-38A>G (NM_001375408.1, NM_001375409.1); short protein forms Q179R, Q153R.
Identifiers: ClinVar variation 2229708 (VCV002229708.2), dbSNP rs758095575, ClinGen allele CA3387201.

ClinVar aggregate classification (germline): Uncertain significance (1 of 4 stars; one submission).

Conditions:
Inborn genetic diseases. Identifiers: MedGen C0950123, MeSH D030342.

Allele frequency attached by ClinVar (database versions not stated): ExAC 0.00001.
gnomAD v4.1: 2 of 1,614,046 alleles (0.00012%); highest among the groups gnomAD compares: Admixed American, 0.0033%; no homozygotes.

Submission:

Ambry Genetics
Classification: Uncertain significance for Inborn genetic diseases. Last evaluated: 2021-03-26. Review status: criteria provided, single submitter. Criteria: Ambry Variant Classification Scheme 2023. Collection method: clinical testing. Allele origin: germline.
Comment: The c.536A>G (p.Q179R) alteration is located in exon 6 (coding exon 5) of the CEP120 gene. This alteration results from a A to G substitution at nucleotide position 536, causing the glutamine (Q) at amino acid position 179 to be replaced by an arginine (R). The in silico prediction for the p.Q179R alteration is inconclusive. Based on insufficient or conflicting evidence, the clinical significance of this alteration remains unclear.